The following is an entry in ClinVar:

NM_004360.5(CDH1):c.656C>T (p.Pro219Leu)

Gene: CDH1 (cadherin 1; plus strand). Cytogenetic location: 16q22.1.
Variant type: single nucleotide variant.
Coding change: c.656C>T on transcript NM_004360.5 (MANE Select); coding-DNA position 656, C replaced by T.
Protein change: p.Pro219Leu; replaces proline 219 with leucine.
Molecular consequence: missense variant. On other transcripts: 5 prime UTR variant (2).
Genome position (GRCh38, 1-based): chr16:68,808,817, C>T. VCF-style: chr16-68808817-C-T. GRCh37 (hg19) VCF-style: chr16-68842720-C-T.
Other names: c.656C>T, p.Pro219Leu (NM_001317184.2); c.-960C>T (NM_001317185.2); c.-1164C>T (NM_001317186.2); short protein forms P219L.
Identifiers: ClinVar variation 1443175 (VCV001443175.6), dbSNP rs1960742618, ClinGen allele CA396458100.

ClinVar aggregate classification (germline): Uncertain significance (1 of 4 stars; one submission).

Conditions:
Hereditary diffuse gastric adenocarcinoma (HDGC). Also called: DIFFUSE GASTRIC AND LOBULAR BREAST CANCER SYNDROME. Identifiers: Orphanet 26106, MedGen C1708349, MONDO:0007648, OMIM 137215.

Submission:

Labcorp Genetics (formerly Invitae), Labcorp
Classification: Uncertain significance for Hereditary diffuse gastric adenocarcinoma. Last evaluated: 2024-03-05. Review status: criteria provided, single submitter. Criteria: Invitae Variant Classification Sherloc (09022015). Collection method: clinical testing. Allele origin: germline.
Comment: This sequence change replaces proline, which is neutral and non-polar, with leucine, which is neutral and non-polar, at codon 219 of the CDH1 protein (p.Pro219Leu). This variant is not present in population databases (gnomAD no frequency). This variant has not been reported in the literature in individuals affected with CDH1-related conditions. ClinVar contains an entry for this variant (Variation ID: 1443175). An algorithm developed to predict the effect of missense changes on protein structure and function (PolyPhen-2) suggests that this variant is likely to be disruptive. In summary, the available evidence is currently insufficient to determine the role of this variant in disease. Therefore, it has been classified as a Variant of Uncertain Significance.